The following is an entry in ClinVar:

NM_001367624.2(ZNF469):c.9923C>A (p.Thr3308Asn)

Gene: ZNF469 (zinc finger protein 469; plus strand). Cytogenetic location: 16q24.2.
Variant type: single nucleotide variant.
Coding change: c.9923C>A on transcript NM_001367624.2 (MANE Select); coding-DNA position 9923, C replaced by A.
Protein change: p.Thr3308Asn; replaces threonine 3308 with asparagine.
Molecular consequence: missense variant.
Genome position (GRCh38, 1-based): chr16:88,437,393, C>A. VCF-style: chr16-88437393-C-A. GRCh37 (hg19) VCF-style: chr16-88503801-C-A.
Other names: NM_001127464.1:c.9839C>A; short protein forms T3308N.
Identifiers: ClinVar variation 1432811 (VCV001432811.8), dbSNP rs1285839120, ClinGen allele CA397125141.
Genomic context (GRCh38, chr16:88,437,393, plus strand): 5'-CAGACAGCGCCTCTGCCACCGCCCTGGCTGACGCCGGCAGCCCGGGCCCCCCCAGGACGA[C>A]CCCCAGCCCGTCCCCCGACCCCTGGGCCGGCGGGGAGCCCCTCCTGCAAGCCACCCCGGT-3'
Protein context (NP_001354553.1, residues 3298-3318): DAGSPGPPRT[Thr3308Asn]PSPSPDPWAG

ClinVar aggregate classification (germline): Uncertain significance. Review status: criteria provided, multiple submitters, no conflicts (2 of 4 stars). 3 submissions from 3 submitters: Uncertain significance (3). Last evaluated 2026-06-04.

Conditions:
Cardiovascular phenotype. Identifiers: MedGen CN230736.
Brittle cornea syndrome 1 (BCS1). Also called: CORNEAL FRAGILITY, KERATOGLOBUS, BLUE SCLERAE, JOINT HYPEREXTENSIBILITY; EDS6B; FRAGILITAS OCULI WITH JOINT HYPEREXTENSIBILITY; Corneal fragility keratoglobus, blue sclerae AND joint hypermobility; DYSGENESIS MESODERMALIS CORNEAE ET SCLERAE. Identifiers: Orphanet 90354, MedGen C0268344, MONDO:0024543, OMIM 229200.

Allele frequency attached by ClinVar (database versions not stated): TOPMed 0.00002.

Submissions (3):

Ambry Genetics
Classification: Uncertain significance for Cardiovascular phenotype. Last evaluated: 2026-06-04. Review status: criteria provided, single submitter. Criteria: Ambry Variant Classification Scheme 2023. Collection method: clinical testing. Allele origin: germline.

Labcorp Genetics (formerly Invitae), Labcorp
Classification: Uncertain significance. Last evaluated: 2022-06-05. Review status: criteria provided, single submitter. Criteria: Invitae Variant Classification Sherloc (09022015). Collection method: clinical testing. Allele origin: germline.
Comment: This sequence change replaces threonine, which is neutral and polar, with asparagine, which is neutral and polar, at codon 3280 of the ZNF469 protein (p.Thr3280Asn). In summary, the available evidence is currently insufficient to determine the role of this variant in disease. Therefore, it has been classified as a Variant of Uncertain Significance. Algorithms developed to predict the effect of missense changes on protein structure and function (SIFT, PolyPhen-2, Align-GVGD) all suggest that this variant is likely to be tolerated. ClinVar contains an entry for this variant (Variation ID: 1432811). This variant has not been reported in the literature in individuals affected with ZNF469-related conditions. This variant is not present in population databases (gnomAD no frequency).

Revvity Omics, Revvity
Classification: Uncertain significance for Brittle cornea syndrome 1. Last evaluated: 2020-02-19. Review status: criteria provided, single submitter. Criteria: ACMG Guidelines, 2015. Collection method: clinical testing. Allele origin: germline.